The following is an entry in ClinVar:

ClinVar aggregate classification (germline): Uncertain significance (1 of 4 stars; one submission).

Conditions:
Primary ciliary dyskinesia. Also called: Ciliary dyskinesia. Identifiers: Orphanet 244, MedGen C0008780, MONDO:0016575, HP:0012265.

Allele frequency attached by ClinVar (database versions not stated): gnomAD exomes 0.00002 and 0.00004; ExAC 0.00003; gnomAD 0.00003; TOPMed 0.00003; ESP Exome Variant Server 0.00008.
gnomAD v4.1: 29 of 1,610,186 alleles (0.0018%); highest among the groups gnomAD compares: Admixed American, 0.02%; no homozygotes.

Submission:

Labcorp Genetics (formerly Invitae), Labcorp
Classification: Uncertain significance for Primary ciliary dyskinesia. Last evaluated: 2021-06-24. Review status: criteria provided, single submitter. Criteria: Invitae Variant Classification Sherloc (09022015). Collection method: clinical testing. Allele origin: germline.
Comment: This sequence change affects codon 2980 of the DNAH8 mRNA. It is a 'silent' change, meaning that it does not change the encoded amino acid sequence of the DNAH8 protein. This variant also falls at the last nucleotide of exon 60, which is part of the consensus splice site for this exon. This variant is present in population databases (rs373096913, ExAC 0.02%). This variant has not been reported in the literature in individuals affected with DNAH8-related conditions. Nucleotide substitutions within the consensus splice site are a relatively common cause of aberrant splicing (PMID: 17576681, 9536098). Algorithms developed to predict the effect of sequence changes on RNA splicing suggest that this variant may disrupt the consensus splice site. In summary, the available evidence is currently insufficient to determine the role of this variant in disease. Therefore, it has been classified as a Variant of Uncertain Significance.

Literature cited by the submitters: PubMed 17576681; PubMed 9536098.

NM_001206927.2(DNAH8):c.8940G>A (p.Leu2980=)

Gene: DNAH8 (dynein axonemal heavy chain 8; plus strand). Cytogenetic location: 6p21.2.
Variant type: single nucleotide variant.
Coding change: c.8940G>A on transcript NM_001206927.2 (MANE Select); coding-DNA position 8940, G replaced by A.
Protein change: p.Leu2980=; no amino-acid change (leucine 2980 retained).
Molecular consequence: synonymous variant.
Genome position (GRCh38, 1-based): chr6:38,896,225, G>A. VCF-style: chr6-38896225-G-A. GRCh37 (hg19) VCF-style: chr6-38864001-G-A.
Other names: c.8289G>A, p.Leu2763= (NM_001371.4).
Identifiers: ClinVar variation 1421036 (VCV001421036.3), dbSNP rs373096913, ClinGen allele CA3790337.